The following is an entry in ClinVar:

ClinVar aggregate classification (germline): Uncertain significance. Review status: criteria provided, multiple submitters, no conflicts (2 of 4 stars). 2 submissions from 2 submitters: Uncertain significance (2). Last evaluated 2025-05-30.

Conditions:
Inborn genetic diseases. Identifiers: MedGen C0950123, MeSH D030342.

gnomAD v4.1: 2 of 1,550,612 alleles (0.00013%); highest among the groups gnomAD compares: African/African-American, 0.0014%; no homozygotes.

Submissions (2):

Labcorp Genetics (formerly Invitae), Labcorp
Classification: Uncertain significance. Last evaluated: 2025-05-30. Review status: criteria provided, single submitter. Criteria: Invitae Variant Classification Sherloc (09022015). Collection method: clinical testing. Allele origin: germline.
Comment: This sequence change replaces proline, which is neutral and non-polar, with serine, which is neutral and polar, at codon 12 of the MRAS protein (p.Pro12Ser). This variant is not present in population databases (gnomAD no frequency). This variant has not been reported in the literature in individuals affected with MRAS-related conditions. ClinVar contains an entry for this variant (Variation ID: 3874285). An algorithm developed to predict the effect of missense changes on protein structure and function (PolyPhen-2) suggests that this variant is likely to be tolerated. In summary, the available evidence is currently insufficient to determine the role of this variant in disease. Therefore, it has been classified as a Variant of Uncertain Significance.

Ambry Genetics
Classification: Uncertain significance for Inborn genetic diseases. Last evaluated: 2025-02-27. Review status: criteria provided, single submitter. Criteria: Ambry Variant Classification Scheme 2023. Collection method: clinical testing. Allele origin: germline.
Comment: The p.P12S variant (also known as c.34C>T), located in coding exon 1 of the MRAS gene, results from a C to T substitution at nucleotide position 34. The proline at codon 12 is replaced by serine, an amino acid with similar properties. This amino acid position is conserved. In addition, the in silico prediction for this alteration is inconclusive. Based on the available evidence, the clinical significance of this variant remains unclear.

NM_001085049.3(MRAS):c.34C>T (p.Pro12Ser)

Gene: MRAS (muscle RAS oncogene homolog; plus strand). Cytogenetic location: 3q22.3.
Variant type: single nucleotide variant.
Coding change: c.34C>T on transcript NM_001085049.3 (MANE Select); coding-DNA position 34, C replaced by T.
Protein change: p.Pro12Ser; replaces proline 12 with serine.
Molecular consequence: missense variant. On other transcripts: intron variant (3).
Genome position (GRCh38, 1-based): chr3:138,372,917, C>T. VCF-style: chr3-138372917-C-T. GRCh37 (hg19) VCF-style: chr3-138091759-C-T.
Other names: c.34C>T, p.Pro12Ser (NM_001252090.2, NM_012219.4); c.-35-24407C>T (NM_001252091.1); c.-36+24150C>T (NM_001252093.2); c.-36+23885C>T (NM_001252092.2); short protein forms P12S.
Identifiers: ClinVar variation 3874285 (VCV003874285.2).